The following is an entry in ClinVar:

NM_000127.3(EXT1):c.2026A>T (p.Lys676Ter)

Gene: EXT1 (exostosin glycosyltransferase 1; minus strand). Cytogenetic location: 8q24.11.
Variant type: single nucleotide variant.
Coding change: c.2026A>T on transcript NM_000127.3 (MANE Select); coding-DNA position 2026, A replaced by T.
Protein change: p.Lys676Ter; replaces lysine 676 with a stop codon.
Molecular consequence: nonsense.
Genome position (GRCh38, 1-based): chr8:117,804,751, T>A on the plus strand (A>T on the coding strand, the complement: EXT1 is on the minus strand). VCF-style: chr8-117804751-T-A. GRCh37 (hg19) VCF-style: chr8-118816990-T-A.
Other names: short protein forms K676*.
Identifiers: ClinVar variation 850437 (VCV000850437.9), dbSNP rs1823212809, ClinGen allele CA371876887.

ClinVar aggregate classification (germline): Pathogenic (1 of 4 stars; one submission).

Conditions:
Multiple congenital exostosis (EXT). Also called: MULTIPLE CARTILAGINOUS EXOSTOSES; Hereditary multiple exostoses; Hereditary multiple exostosis; Multiple osteochondromas; Hereditary multiple osteochondromas; Multiple exostoses. Identifiers: Orphanet 321, MedGen C0015306, MONDO:0005508, HP:0002762.

Submission:

Labcorp Genetics (formerly Invitae), Labcorp
Classification: Pathogenic for Multiple congenital exostosis. Last evaluated: 2019-11-20. Review status: criteria provided, single submitter. Criteria: Invitae Variant Classification Sherloc (09022015). Collection method: clinical testing. Allele origin: germline.
Comment: For these reasons, this variant has been classified as Pathogenic. This variant disrupts the C-terminus of the EXT1 protein. Other variant(s) that disrupt this region (p.Arg701*) have been determined to be pathogenic (PMID: 26690531, 11170095). This suggests that variants that disrupt this region of the protein are likely to be causative of disease. This variant has not been reported in the literature in individuals with EXT1-related conditions. This variant is not present in population databases (ExAC no frequency). This sequence change results in a premature translational stop signal in the EXT1 gene (p.Lys676*). While this is not anticipated to result in nonsense mediated decay, it is expected to disrupt the last 71 amino acids of the EXT1 protein.

Literature cited by the submitters: PubMed 26690531; PubMed 11170095.